The following is an entry in ClinVar:

NM_004168.4(SDHA):c.19C>T (p.Leu7=)

Gene: SDHA (succinate dehydrogenase complex flavoprotein subunit A; plus strand). Cytogenetic location: 5p15.33.
Variant type: single nucleotide variant.
Coding change: c.19C>T on transcript NM_004168.4 (MANE Select); coding-DNA position 19, C replaced by T.
Protein change: p.Leu7=; no amino-acid change (leucine 7 retained).
Molecular consequence: synonymous variant.
Genome position (GRCh38, 1-based): chr5:218,374, C>T. VCF-style: chr5-218374-C-T. GRCh37 (hg19) VCF-style: chr5-218489-C-T.
Other names: c.19C>T, p.Leu7= (NM_001294332.2, NM_001330758.2).
Identifiers: ClinVar variation 765006 (VCV000765006.17), dbSNP rs760964443, ClinGen allele CA3172686.

ClinVar aggregate classification (germline): Benign/Likely benign. Review status: criteria provided, multiple submitters, no conflicts (2 of 4 stars). 4 submissions from 4 submitters: Benign (1); Likely benign (3). Last evaluated 2025-11-25.

Conditions:
Pheochromocytoma/paraganglioma syndrome 5. Also called: Paragangliomas 5; SDHA-Related Hereditary Paraganglioma-Pheochromocytoma Syndrome. Identifiers: Orphanet 29072, MedGen C3279992, MONDO:0013602, OMIM 614165.
Mitochondrial complex II deficiency, nuclear type 1. Also called: SUCCINATE CoQ REDUCTASE DEFICIENCY. Identifiers: Orphanet 3208, MedGen C5700310, MONDO:0100294, OMIM 252011.
Hereditary cancer-predisposing syndrome. Also called: Tumor predisposition; Hereditary neoplastic syndrome; Neoplastic Syndromes, Hereditary; Hereditary Cancer Syndrome. Identifiers: Orphanet 140162, MedGen C0027672, MeSH D009386, MONDO:0015356.

Allele frequency attached by ClinVar (database versions not stated): gnomAD exomes below 0.00001 and 0.00001; gnomAD 0.00001; ExAC 0.00002.

Submissions (4):

Labcorp Genetics (formerly Invitae), Labcorp
Classification: Likely benign for Pheochromocytoma/paraganglioma syndrome 5; Mitochondrial complex II deficiency, nuclear type 1. Last evaluated: 2025-11-25. Review status: criteria provided, single submitter. Criteria: Invitae Variant Classification Sherloc (09022015). Collection method: clinical testing. Allele origin: germline.

Myriad Genetics, Inc.
Classification: Benign for Pheochromocytoma/paraganglioma syndrome 5. Last evaluated: 2025-02-27. Review status: criteria provided, single submitter. Criteria: Myriad Autosomal Dominant, Autosomal Recessive and X-Linked Classification Criteria (2023). Collection method: clinical testing. Allele origin: unknown.
Comment: This variant is considered benign. This variant is a silent/synonymous amino acid change and it is not expected to impact splicing.

Sema4
Classification: Likely benign for Hereditary cancer-predisposing syndrome. Last evaluated: 2022-01-03. Review status: criteria provided, single submitter. Criteria: Sema4 Curation Guidelines. Collection method: curation. Allele origin: germline.

Ambry Genetics
Classification: Likely benign for Hereditary cancer-predisposing syndrome. Last evaluated: 2017-11-13. Review status: criteria provided, single submitter. Criteria: Ambry Variant Classification Scheme 2023. Collection method: clinical testing. Allele origin: germline.